The following is an entry in ClinVar:

NM_005235.3(ERBB4):c.3137G>A (p.Ser1046Asn)

Gene: ERBB4 (erb-b2 receptor tyrosine kinase 4; minus strand). Cytogenetic location: 2q34.
Variant type: single nucleotide variant.
Coding change: c.3137G>A on transcript NM_005235.3 (MANE Select); coding-DNA position 3137, G replaced by A.
Protein change: p.Ser1046Asn; replaces serine 1046 with asparagine.
Molecular consequence: missense variant. On other transcripts: intron variant (2).
Genome position (GRCh38, 1-based): chr2:211,387,991, C>T on the plus strand (G>A on the coding strand, the complement: ERBB4 is on the minus strand). VCF-style: chr2-211387991-C-T. GRCh37 (hg19) VCF-style: chr2-212252716-C-T.
Other names: c.3107G>A, p.Ser1036Asn (NM_001439005.1); c.3136-841G>A (NM_001042599.2); c.3106-841G>A (NM_001439006.1); short protein forms S1046N, S1036N.
Identifiers: ClinVar variation 2980283 (VCV002980283.3), dbSNP rs755459959, ClinGen allele CA65138799.

ClinVar aggregate classification (germline): Uncertain significance (1 of 4 stars; one submission).

Allele frequency attached by ClinVar (database versions not stated): gnomAD exomes below 0.00001; gnomAD 0.00001; TOPMed 0.00001.
gnomAD v4.1: 8 of 1,597,858 alleles (0.0005%); highest among the groups gnomAD compares: Middle Eastern, 0.017%; no homozygotes.

Submission:

Labcorp Genetics (formerly Invitae), Labcorp
Classification: Uncertain significance. Last evaluated: 2023-10-17. Review status: criteria provided, single submitter. Criteria: Invitae Variant Classification Sherloc (09022015). Collection method: clinical testing. Allele origin: germline.
Comment: This sequence change replaces serine, which is neutral and polar, with asparagine, which is neutral and polar, at codon 1046 of the ERBB4 protein (p.Ser1046Asn). This variant is present in population databases (rs755459959, gnomAD no frequency). This variant has not been reported in the literature in individuals affected with ERBB4-related conditions. An algorithm developed to predict the effect of missense changes on protein structure and function (PolyPhen-2) suggests that this variant is likely to be tolerated. In summary, the available evidence is currently insufficient to determine the role of this variant in disease. Therefore, it has been classified as a Variant of Uncertain Significance.